The following is an entry in ClinVar:

ClinVar aggregate classification (germline): Benign/Likely benign. Review status: criteria provided, multiple submitters, no conflicts (2 of 4 stars). 5 submissions from 5 submitters: Benign (1); Likely benign (4). Last evaluated 2025-06-06.

Conditions:
Tuberous sclerosis syndrome (TSC). Also called: Tuberous sclerosis; Tuberous Sclerosis Complex. Identifiers: Orphanet 805, MedGen C0041341, MONDO:0001734.
Tuberous sclerosis 2 (TSC2). Identifiers: Orphanet 805, MedGen C1860707, MONDO:0013199, OMIM 613254.
Hereditary cancer-predisposing syndrome. Also called: Hereditary neoplastic syndrome; Neoplastic Syndromes, Hereditary; Tumor predisposition; Hereditary Cancer Syndrome. Identifiers: Orphanet 140162, MedGen C0027672, MeSH D009386, MONDO:0015356.

gnomAD v4.1: 3 of 1,612,636 alleles (0.00019%); highest among the groups gnomAD compares: Non-Finnish European, 0.00025%; no homozygotes.

Submissions (5):

Myriad Genetics, Inc.
Classification: Benign for Tuberous sclerosis 2. Last evaluated: 2025-06-06. Review status: criteria provided, single submitter. Criteria: Myriad Autosomal Dominant, Autosomal Recessive and X-Linked Classification Criteria (2023). Collection method: clinical testing. Allele origin: unknown.
Comment: This variant is considered benign. This variant is a silent/synonymous amino acid change and it is not expected to impact splicing.

Ambry Genetics
Classification: Likely benign for Hereditary cancer-predisposing syndrome. Last evaluated: 2024-09-01. Review status: criteria provided, single submitter. Criteria: Ambry Variant Classification Scheme 2023. Collection method: clinical testing. Allele origin: germline.

Labcorp Genetics (formerly Invitae), Labcorp
Classification: Likely benign for Tuberous sclerosis 2. Last evaluated: 2023-12-25. Review status: criteria provided, single submitter. Criteria: Invitae Variant Classification Sherloc (09022015). Collection method: clinical testing. Allele origin: germline.

All of Us Research Program, National Institutes of Health
Classification: Likely benign for Tuberous sclerosis syndrome. Last evaluated: 2023-10-27. Review status: criteria provided, single submitter. Criteria: ACMG Guidelines, 2015. Collection method: clinical testing. Allele origin: germline. Inheritance: Autosomal dominant inheritance. Observed: 1 variant allele, 1 heterozygote.
Comment: This study involves interpretation of variants in research participants for the purpose of population health screening. Participant phenotype was not available at the time of variant classification. Additional details can be found in publication PMID: 35346344, PMCID: PMC8962531

Color Diagnostics, LLC DBA Color Health
Classification: Likely benign for Tuberous sclerosis syndrome. Last evaluated: 2022-11-06. Review status: criteria provided, single submitter. Criteria: ACMG Guidelines, 2015. Collection method: clinical testing. Allele origin: germline.

NM_000548.5(TSC2):c.5232C>G (p.Leu1744=)

Gene: TSC2 (TSC complex subunit 2; plus strand). Cytogenetic location: 16p13.3.
Variant type: single nucleotide variant.
Coding change: c.5232C>G on transcript NM_000548.5 (MANE Select); coding-DNA position 5232, C replaced by G.
Protein change: p.Leu1744=; no amino-acid change (leucine 1744 retained).
Molecular consequence: synonymous variant. On other transcripts: non-coding transcript variant (5).
Genome position (GRCh38, 1-based): chr16:2,088,298, C>G. VCF-style: chr16-2088298-C-G. GRCh37 (hg19) VCF-style: chr16-2138299-C-G.
Other names: c.4920C>G, p.Leu1640= (NM_001406678.1); c.4884C>G, p.Leu1628= (NM_001406679.1); c.4632C>G, p.Leu1544= (NM_001406680.1); c.4572C>G, p.Leu1524= (NM_001406681.1); c.5013C>G, p.Leu1671= (NM_001406676.1); c.4974C>G, p.Leu1658= (NM_001406677.1); c.5052C>G, p.Leu1684= (NM_001406670.1); c.5022C>G, p.Leu1674= (NM_001406671.1); and 27 more.
Identifiers: ClinVar variation 1967757 (VCV001967757.9), dbSNP rs772865175, ClinGen allele CA493043833.